The following is an entry in ClinVar:

ClinVar aggregate classification (germline): Likely benign (1 of 4 stars; one submission).

Allele frequency attached by ClinVar (database versions not stated): gnomAD 0.00001; TOPMed 0.00003; 1000 Genomes Project 30x 0.00016; 1000 Genomes Project 0.00020.

Submission:

CeGaT Center for Human Genetics Tuebingen
Classification: Likely benign. Last evaluated: 2022-03-01. Review status: criteria provided, single submitter. Criteria: CeGaT Center For Human Genetics Tuebingen Variant Classification Criteria Version 2. Collection method: clinical testing. Allele origin: germline. Affected: yes. Observed: 1 variant allele.
Comment: FGG: BP4

NM_021870.3(FGG):c.533-17C>T

Gene: FGG (fibrinogen gamma chain; minus strand). Cytogenetic location: 4q32.1.
Variant type: single nucleotide variant.
Coding change: c.533-17C>T on transcript NM_021870.3 (MANE Select); 17 bases into the intron before coding-DNA position 533, C replaced by T.
Molecular consequence: intron variant.
Genome position (GRCh38, 1-based): chr4:154,609,780, G>A on the plus strand (C>T on the coding strand, the complement: FGG is on the minus strand). VCF-style: chr4-154609780-G-A. GRCh37 (hg19) VCF-style: chr4-155530932-G-A.
Other names: c.533-17C>T (NM_000509.6).
Identifiers: ClinVar variation 2655151 (VCV002655151.24), dbSNP rs577663651, ClinGen allele CA3115610.